The following is an entry in ClinVar:

NM_001018005.2(TPM1):c.321A>C (p.Ala107=)

Gene: TPM1 (tropomyosin 1; plus strand). Cytogenetic location: 15q22.2.
Variant type: single nucleotide variant.
Coding change: c.321A>C on transcript NM_001018005.2 (MANE Select); coding-DNA position 321, A replaced by C.
Protein change: p.Ala107=; no amino-acid change (alanine 107 retained).
Molecular consequence: synonymous variant.
Genome position (GRCh38, 1-based): chr15:63,057,065, A>C. VCF-style: chr15-63057065-A-C. GRCh37 (hg19) VCF-style: chr15-63349264-A-C.
Other names: c.321A>C, p.Ala107= (NM_000366.6, NM_001018004.2, NM_001018006.2 and 6 more transcripts); c.213A>C, p.Ala71= (NM_001018008.2, NM_001301289.2, NM_001330344.2 and 5 more transcripts); c.447A>C, p.Ala149= (NM_001365778.1).
Identifiers: ClinVar variation 43413 (VCV000043413.6), dbSNP rs397516368, ClinGen allele CA017970.

ClinVar aggregate classification (germline): Likely benign. Review status: criteria provided, multiple submitters, no conflicts (2 of 4 stars). 2 submissions from 2 submitters: Likely benign (2). Last evaluated 2010-08-26.

Submissions (2):

Laboratory for Molecular Medicine, Mass General Brigham Personalized Medicine
Classification: Likely benign. Last evaluated: 2010-08-26. Review status: criteria provided, single submitter. Criteria: LMM Criteria. Collection method: clinical testing. Allele origin: germline. Observed: 1 variant allele.
Comment: This variant is not expected to have clinical significance because it does not a lter an amino acid residue and is not located near a splice junction. Therefore, it is unlikely that this variant is disease-causing.

Breakthrough Genomics
Classification: Likely benign. Review status: criteria provided, single submitter. Criteria: ACMG Guidelines, 2015. Collection method: not provided. Allele origin: germline. Inheritance: Autosomal dominant inheritance. Affected: yes.